The following is an entry in ClinVar:

NM_002519.3(NPAT):c.3812C>G (p.Pro1271Arg)

Gene: NPAT (nuclear protein, coactivator of histone transcription; minus strand). Cytogenetic location: 11q22.3.
Variant type: single nucleotide variant.
Coding change: c.3812C>G on transcript NM_002519.3 (MANE Select); coding-DNA position 3812, C replaced by G.
Protein change: p.Pro1271Arg; replaces proline 1271 with arginine.
Molecular consequence: missense variant.
Genome position (GRCh38, 1-based): chr11:108,161,274, G>C on the plus strand (C>G on the coding strand, the complement: NPAT is on the minus strand). VCF-style: chr11-108161274-G-C. GRCh37 (hg19) VCF-style: chr11-108032001-G-C.
Other names: c.3833C>G, p.Pro1278Arg (NM_001321307.1); short protein forms P1278R, P1271R.
Identifiers: ClinVar variation 3300629 (VCV003300629.1).

ClinVar aggregate classification (germline): Uncertain significance (1 of 4 stars; one submission).

Submission:

Ambry Genetics
Classification: Uncertain significance. Last evaluated: 2024-04-28. Review status: criteria provided, single submitter. Criteria: Ambry Variant Classification Scheme 2023. Collection method: clinical testing. Allele origin: germline.
Comment: The p.P1271R variant (also known as c.3812C>G), located in coding exon 17 of the NPAT gene, results from a C to G substitution at nucleotide position 3812. The proline at codon 1271 is replaced by arginine, an amino acid with dissimilar properties. This amino acid position is conserved. In addition, this alteration is predicted to be tolerated by in silico analysis. Based on the available evidence, the clinical significance of this variant remains unclear.